The following is an entry in ClinVar:

NM_000384.3(APOB):c.6719A>C (p.Lys2240Thr)

Gene: APOB (apolipoprotein B; minus strand). Cytogenetic location: 2p24.1.
Variant type: single nucleotide variant.
Coding change: c.6719A>C on transcript NM_000384.3 (MANE Select); coding-DNA position 6719, A replaced by C.
Protein change: p.Lys2240Thr; replaces lysine 2240 with threonine.
Molecular consequence: missense variant.
Genome position (GRCh38, 1-based): chr2:21,010,149, T>G on the plus strand (A>C on the coding strand, the complement: APOB is on the minus strand). VCF-style: chr2-21010149-T-G. GRCh37 (hg19) VCF-style: chr2-21233021-T-G.
Other names: short protein forms K2240T.
Identifiers: ClinVar variation 630628 (VCV000630628.12), dbSNP rs1558564054, ClinGen allele CA346000882.
Genomic context (GRCh38, chr2:21,010,149, plus strand): 5'-ATTCTGATTTGGTACTTAGTATCCACATTTTGAATCCAGGATGCAGTACTACTTCCACTT[T>G]TGTTAAAATCAATATTTTCAATAAACAAATGTAGATCATGGATTGTTTTTACTAAATTTA-3'
Protein context (NP_000375.3, residues 2230-2250): HLFIENIDFN[Lys2240Thr]SGSSTASWIQ

ClinVar aggregate classification (germline): Uncertain significance (1 of 4 stars; one submission).

Conditions:
Hypercholesterolemia, autosomal dominant, type B (FHCL2). Also called: APOB-Related Familial Hypercholesterolemia, Autosomal Dominant; Hyperlipoproteinemia Type IIb; Familial Hypercholesterolemia Type B; APOLIPOPROTEIN B-100, FAMILIAL DEFECTIVE; APOLIPOPROTEIN B-100, FAMILIAL LIGAND-DEFECTIVE; Familial hypercholesterolemia 2. Identifiers: MedGen C1704417, MONDO:0007751, OMIM 144010.
Familial hypobetalipoproteinemia 1. Also called: APOB-Related Familial Hypobetalipoproteinemia; Hypobetalipoproteinemia, normotriglyceridemic; Acanthocytosis with hypobetalipoproteinemia. Identifiers: MedGen C4551990, MONDO:0014252, OMIM 615558.

Submission:

Labcorp Genetics (formerly Invitae), Labcorp
Classification: Uncertain significance for Familial hypobetalipoproteinemia 1; Hypercholesterolemia, autosomal dominant, type B. Last evaluated: 2025-01-23. Review status: criteria provided, single submitter. Criteria: Invitae Variant Classification Sherloc (09022015). Collection method: clinical testing. Allele origin: germline.
Comment: This sequence change replaces lysine, which is basic and polar, with threonine, which is neutral and polar, at codon 2240 of the APOB protein (p.Lys2240Thr). This variant is not present in population databases (gnomAD no frequency). This variant has not been reported in the literature in individuals affected with APOB-related conditions. ClinVar contains an entry for this variant (Variation ID: 630628). Invitae Evidence Modeling of protein sequence and biophysical properties (such as structural, functional, and spatial information, amino acid conservation, physicochemical variation, residue mobility, and thermodynamic stability) indicates that this missense variant is not expected to disrupt APOB protein function with a negative predictive value of 95%. In summary, the available evidence is currently insufficient to determine the role of this variant in disease. Therefore, it has been classified as a Variant of Uncertain Significance.